The following is an entry in ClinVar:

ClinVar aggregate classification (germline): Uncertain significance. Review status: criteria provided, multiple submitters, no conflicts (2 of 4 stars). 3 submissions from 3 submitters: Uncertain significance (3). Last evaluated 2026-01-16.

Conditions:
Nemaline myopathy 8 (NEM8). Also called: Nemaline myopathy 8, autosomal recessive. Identifiers: Orphanet 171430, MedGen C3809209, MONDO:0014138, OMIM 615348.

Allele frequency attached by ClinVar (database versions not stated): ExAC 0.00007; gnomAD exomes 0.00007; ESP Exome Variant Server 0.00008; TOPMed 0.00011; gnomAD 0.00015 and 0.00016.
gnomAD v4.1: 532 of 1,608,752 alleles (0.033%); highest among the groups gnomAD compares: Non-Finnish European, 0.042%; no homozygotes.

Submissions (3):

GeneDx
Classification: Uncertain significance. Last evaluated: 2026-01-16. Review status: criteria provided, single submitter. Criteria: GeneDx Variant Classification Process June 2021. Collection method: clinical testing. Allele origin: germline. Affected: yes.
Comment: In silico analysis suggests that this missense variant does not alter protein structure/function; This variant is associated with the following publications: (PMID: 35982159, 31785789, 33057194)

Labcorp Genetics (formerly Invitae), Labcorp
Classification: Uncertain significance for Nemaline myopathy 8. Last evaluated: 2023-12-06. Review status: criteria provided, single submitter. Criteria: Invitae Variant Classification Sherloc (09022015). Collection method: clinical testing. Allele origin: germline.
Comment: This sequence change replaces aspartic acid, which is acidic and polar, with glutamic acid, which is acidic and polar, at codon 582 of the KLHL40 protein (p.Asp582Glu). This variant is present in population databases (rs202096553, gnomAD 0.02%). This variant has not been reported in the literature in individuals affected with KLHL40-related conditions. ClinVar contains an entry for this variant (Variation ID: 420929). Advanced modeling of protein sequence and biophysical properties (such as structural, functional, and spatial information, amino acid conservation, physicochemical variation, residue mobility, and thermodynamic stability) has been performed at Invitae for this missense variant, however the output from this modeling did not meet the statistical confidence thresholds required to predict the impact of this variant on KLHL40 protein function. In summary, the available evidence is currently insufficient to determine the role of this variant in disease. Therefore, it has been classified as a Variant of Uncertain Significance.

Victorian Clinical Genetics Services, Murdoch Childrens Research Institute
Classification: Uncertain significance for Nemaline myopathy 8. Last evaluated: 2021-05-06. Review status: criteria provided, single submitter. Criteria: ACMG Guidelines, 2015. Collection method: clinical testing. Allele origin: germline. Inheritance: Autosomal recessive inheritance.
Comment: Based on the classification scheme VCGS_Germline_v1.3.4, this variant is classified as VUS-3B. Following criteria are met: 0102 - Loss of function is a known mechanism of disease in this gene and is associated with nemaline myopathy 8 (MIM#615348). (I) 0106 - This gene is associated with autosomal recessive disease. (I) 0200 - Variant is predicted to result in a missense amino acid change from asparagine to glutamic acid. (I) 0251 - This variant is heterozygous. (I) 0304 - Variant is present in gnomAD <0.01 for a recessive condition (v2: 22 heterozygotes, 0 homozygotes). (SP) 0502 - Missense variant with conflicting in silico predictions and uninformative conservation. (I) 0600 - Variant is located in the annotated Kelch 5 repeat motif (UniProt). (I) 0705 - No comparable missense variants have previous evidence for pathogenicity. (I) 0809 - Previous evidence of pathogenicity for this variant is inconclusive. This variant has been reported once as a VUS by a clinical diagnostic laboratory (ClinVar). (I) 0905 - No published segregation evidence has been identified for this variant. (I) 1007 - No published functional evidence has been identified for this variant. (I) Legend: (SP) - Supporting pathogenic, (I) - Information, (SB) - Supporting benign

NM_152393.4(KLHL40):c.1746C>A (p.Asp582Glu)

Gene: KLHL40 (kelch like family member 40; plus strand). Cytogenetic location: 3p22.1.
Variant type: single nucleotide variant.
Coding change: c.1746C>A on transcript NM_152393.4 (MANE Select); coding-DNA position 1746, C replaced by A.
Protein change: p.Asp582Glu; replaces aspartic acid 582 with glutamic acid.
Molecular consequence: missense variant.
Genome position (GRCh38, 1-based): chr3:42,690,997, C>A. VCF-style: chr3-42690997-C-A. GRCh37 (hg19) VCF-style: chr3-42732489-C-A.
Other names: short protein forms D582E.
Identifiers: ClinVar variation 420929 (VCV000420929.12), dbSNP rs202096553, ClinGen allele CA2337062.